The following is an entry in ClinVar:

NM_030665.4(RAI1):c.4753C>T (p.Arg1585Trp)

Gene: RAI1 (retinoic acid induced 1; plus strand). Cytogenetic location: 17p11.2.
Variant type: single nucleotide variant.
Coding change: c.4753C>T on transcript NM_030665.4 (MANE Select); coding-DNA position 4753, C replaced by T.
Protein change: p.Arg1585Trp; replaces arginine 1585 with tryptophan.
Molecular consequence: missense variant.
Genome position (GRCh38, 1-based): chr17:17,797,701, C>T. VCF-style: chr17-17797701-C-T. GRCh37 (hg19) VCF-style: chr17-17701015-C-T.
Other names: short protein forms R1585W.
Identifiers: ClinVar variation 3151201 (VCV003151201.4), dbSNP rs750640516, ClinGen allele CA8419021.

ClinVar aggregate classification (germline): Uncertain significance. Review status: criteria provided, multiple submitters, no conflicts (2 of 4 stars). 3 submissions from 3 submitters: Uncertain significance (3). Last evaluated 2026-07-15.

Conditions:
Inborn genetic diseases. Identifiers: MedGen C0950123, MeSH D030342.
RAI1-related disorder. Also called: RAI1-related condition.

Allele frequency attached by ClinVar (database versions not stated): gnomAD exomes below 0.00001; TOPMed below 0.00001; ExAC 0.00001.
gnomAD v4.1: 2 of 1,613,342 alleles (0.00012%); highest among the groups gnomAD compares: East Asian, 0.0022%; no homozygotes.

Submissions (3):

PreventionGenetics, part of Exact Sciences
Classification: Uncertain significance for RAI1-related condition. Last evaluated: 2026-07-15. Review status: criteria provided, single submitter. Criteria: ACMG Guidelines, 2015. Collection method: clinical testing. Allele origin: germline.
Comment: The RAI1 c.4753C>T variant is predicted to result in the amino acid substitution p.Arg1585Trp. To our knowledge, this variant has not been reported in the literature. This variant is reported in 0.0055% of alleles in individuals of East Asian descent in gnomAD. At this time, the clinical significance of this variant is uncertain due to the absence of conclusive functional and genetic evidence.

Labcorp Genetics (formerly Invitae), Labcorp
Classification: Uncertain significance. Last evaluated: 2025-01-19. Review status: criteria provided, single submitter. Criteria: Invitae Variant Classification Sherloc (09022015). Collection method: clinical testing. Allele origin: germline.
Comment: This sequence change replaces arginine, which is basic and polar, with tryptophan, which is neutral and slightly polar, at codon 1585 of the RAI1 protein (p.Arg1585Trp). This variant is present in population databases (rs750640516, gnomAD 0.006%). This variant has not been reported in the literature in individuals affected with RAI1-related conditions. ClinVar contains an entry for this variant (Variation ID: 3151201). Invitae Evidence Modeling of protein sequence and biophysical properties (such as structural, functional, and spatial information, amino acid conservation, physicochemical variation, residue mobility, and thermodynamic stability) has been performed for this missense variant. However, the output from this modeling did not meet the statistical confidence thresholds required to predict the impact of this variant on RAI1 protein function. In summary, the available evidence is currently insufficient to determine the role of this variant in disease. Therefore, it has been classified as a Variant of Uncertain Significance.

Ambry Genetics
Classification: Uncertain significance for Inborn genetic diseases. Last evaluated: 2024-01-23. Review status: criteria provided, single submitter. Criteria: Ambry Variant Classification Scheme 2023. Collection method: clinical testing. Allele origin: germline.